The following is an entry in ClinVar:

NM_000091.5(COL4A3):c.716G>C (p.Gly239Ala)

Genes: COL4A3 (collagen type IV alpha 3 chain; plus strand), MFF-DT (MFF divergent transcript; minus strand). Cytogenetic location: 2q36.3.
Variant type: single nucleotide variant.
Coding change: c.716G>C on transcript NM_000091.5 (MANE Select); coding-DNA position 716, G replaced by C.
Protein change: p.Gly239Ala; replaces glycine 239 with alanine.
Molecular consequence: missense variant.
Genome position (GRCh38, 1-based): chr2:227,253,589, G>C. VCF-style: chr2-227253589-G-C. GRCh37 (hg19) VCF-style: chr2-228118305-G-C.
Other names: short protein forms G239A.
Identifiers: ClinVar variation 1331375 (VCV001331375.9), dbSNP rs1574699782, ClinGen allele CA350864976.
Genomic context (GRCh38, chr2:227,253,589, plus strand): 5'-ATTTTCTCACTCCTGAGTGTTTTTGTCTTTAGGGTGTGAAAGGGTTAACAGGACCCCCGG[G>C]ACCACCAGGAACAGTTATTGTGACCCTAACTGGCCCAGATAACAGAACGGTAACTCTGCG-3'
Protein context (NP_000082.2, residues 229-249): RGVKGLTGPP[Gly239Ala]PPGTVIVTLT

ClinVar aggregate classification (germline): Uncertain significance. Review status: criteria provided, multiple submitters, no conflicts (2 of 4 stars). 2 submissions from 2 submitters: Uncertain significance (2). Last evaluated 2021-12-09.

Submissions (2):

Labcorp Genetics (formerly Invitae), Labcorp
Classification: Uncertain significance. Last evaluated: 2021-12-09. Review status: criteria provided, single submitter. Criteria: Invitae Variant Classification Sherloc (09022015). Collection method: clinical testing. Allele origin: germline.
Comment: In summary, the available evidence is currently insufficient to determine the role of this variant in disease. Therefore, it has been classified as a Variant of Uncertain Significance. Advanced modeling of protein sequence and biophysical properties (such as structural, functional, and spatial information, amino acid conservation, physicochemical variation, residue mobility, and thermodynamic stability) performed at Invitae indicates that this missense variant is expected to disrupt COL4A3 protein function. This variant has not been reported in the literature in individuals affected with COL4A3-related conditions. This variant is not present in population databases (gnomAD no frequency). This sequence change replaces glycine, which is neutral and non-polar, with alanine, which is neutral and non-polar, at codon 239 of the COL4A3 protein (p.Gly239Ala).

Women's Health and Genetics/Laboratory Corporation of America, LabCorp
Classification: Uncertain significance. Last evaluated: 2021-12-09. Review status: criteria provided, single submitter. Criteria: LabCorp Variant Classification Summary - May 2015. Collection method: clinical testing. Allele origin: germline.
Comment: Variant summary: COL4A3 c.716G>C (p.Gly239Ala) results in a non-conservative amino acid change in the encoded protein sequence. Five of five in-silico tools predict a damaging effect of the variant on protein function. The variant was absent in 249386 control chromosomes. The available data on variant occurrences in the general population are insufficient to allow any conclusion about variant significance. To our knowledge, no occurrence of c.716G>C in individuals affected with Alport Syndrome, Autosomal Recessive and no experimental evidence demonstrating its impact on protein function have been reported. No clinical diagnostic laboratories have submitted clinical-significance assessments for this variant to ClinVar after 2014. Based on the evidence outlined above, the variant was classified as uncertain significance.